The following is an entry in ClinVar:

ClinVar aggregate classification (germline): Conflicting classifications of pathogenicity. Review status: criteria provided, conflicting classifications (1 of 4 stars). 4 submissions from 4 submitters: Uncertain significance (3); Likely benign (1). Last evaluated 2024-02-04.

Conditions:
Hereditary breast ovarian cancer syndrome. Also called: Hereditary breast and ovarian cancer syndrome; Hereditary breast and ovarian cancer; Hereditary breast and/or ovarian cancer syndrome; Hereditary breast and ovarian cancer syndrome (HBOC); Breast and ovarian cancer; BRCA1- and BRCA2-Associated Hereditary Breast and Ovarian Cancer. Identifiers: Orphanet 145, MedGen C0677776, MeSH D061325, MONDO:0003582. Disease mechanism: loss of function.
Hereditary cancer-predisposing syndrome. Also called: Neoplastic Syndromes, Hereditary; Tumor predisposition; Hereditary neoplastic syndrome; Hereditary Cancer Syndrome. Identifiers: Orphanet 140162, MedGen C0027672, MeSH D009386, MONDO:0015356.

Submissions (4):

Color Diagnostics, LLC DBA Color Health
Classification: Uncertain significance for Hereditary cancer-predisposing syndrome. Last evaluated: 2024-02-04. Review status: criteria provided, single submitter. Criteria: ACMG Guidelines, 2015. Collection method: clinical testing. Allele origin: germline.
Comment: This missense variant replaces phenylalanine with leucine at codon 892 of the BRCA2 protein. Computational prediction suggests that this variant may not impact protein structure and function (internally defined REVEL score threshold <= 0.5, PMID: 27666373). To our knowledge, functional studies have not been reported for this variant. This variant has not been reported in individuals affected with BRCA2-related disorders in the literature. This variant has not been identified in the general population by the Genome Aggregation Database (gnomAD). The available evidence is insufficient to determine the role of this variant in disease conclusively. Therefore, this variant is classified as a Variant of Uncertain Significance.

Labcorp Genetics (formerly Invitae), Labcorp
Classification: Uncertain significance for Hereditary breast ovarian cancer syndrome. Last evaluated: 2023-10-13. Review status: criteria provided, single submitter. Criteria: Invitae Variant Classification Sherloc (09022015). Collection method: clinical testing. Allele origin: germline.
Comment: This sequence change replaces phenylalanine, which is neutral and non-polar, with leucine, which is neutral and non-polar, at codon 892 of the BRCA2 protein (p.Phe892Leu). This variant is not present in population databases (gnomAD no frequency). This variant has not been reported in the literature in individuals affected with BRCA2-related conditions. ClinVar contains an entry for this variant (Variation ID: 811789). Advanced modeling of protein sequence and biophysical properties (such as structural, functional, and spatial information, amino acid conservation, physicochemical variation, residue mobility, and thermodynamic stability) performed at Invitae indicates that this missense variant is not expected to disrupt BRCA2 protein function. In summary, the available evidence is currently insufficient to determine the role of this variant in disease. Therefore, it has been classified as a Variant of Uncertain Significance.

University of Washington Department of Laboratory Medicine, University of Washington
Classification: Likely benign for Hereditary cancer-predisposing syndrome. Last evaluated: 2023-03-23. Review status: criteria provided, single submitter. Criteria: Dines et al. (Genet Med. 2020). Collection method: curation. Allele origin: germline.
Comment: Missense variant in a coldspot region where missense variants are very unlikely to be pathogenic (PMID:31911673).

BRCA2 exon 11 coldspot. Reclassification based on statistical prior probability.

ARUP Laboratories, Molecular Genetics and Genomics, ARUP Laboratories
Classification: Uncertain significance. Last evaluated: 2018-09-24. Review status: criteria provided, single submitter. Criteria: ARUP Molecular Germline Variant Investigation Process. Collection method: clinical testing. Allele origin: germline.
Comment: The BRCA2 c.2674T>C; p.Phe892Leu variant, to our knowledge, is not described in the medical literature or in gene-specific databases. It is also absent from general population databases (1000 Genomes Project, Exome Variant Server, and Genome Aggregation Database), indicating it is not a common polymorphism. The phenylalanine at codon 892 is weakly to moderately conserved, and computational algorithms (PolyPhen-2, SIFT) predict that this variant is tolerated. Additionally, another variant at this codon that results in the same amino acid change (c.2676C>A; p.Phe892Leu) contains an entry in ClinVar (Variation ID: 91783) and has not been described in association with disease. However, due to limited information regarding the c.2674T>C; p.Phe892Leu variant, its clinical significance cannot be determined with certainty.

NM_000059.4(BRCA2):c.2674T>C (p.Phe892Leu)

Gene: BRCA2 (BRCA2 DNA repair associated; plus strand). Cytogenetic location: 13q13.1.
Variant type: single nucleotide variant.
Coding change: c.2674T>C on transcript NM_000059.4 (MANE Select); coding-DNA position 2674, T replaced by C.
Protein change: p.Phe892Leu; replaces phenylalanine 892 with leucine.
Molecular consequence: missense variant.
Genome position (GRCh38, 1-based): chr13:32,337,029, T>C. VCF-style: chr13-32337029-T-C. GRCh37 (hg19) VCF-style: chr13-32911166-T-C.
Other names: short protein forms F892L.
Identifiers: ClinVar variation 811789 (VCV000811789.18), dbSNP rs1593897508, ClinGen allele CA387773394.